The following is an entry in ClinVar:

NM_001378454.1(ALMS1):c.8884T>C (p.Ser2962Pro)

Gene: ALMS1 (ALMS1 centrosome and basal body associated protein; plus strand). Cytogenetic location: 2p13.1.
Variant type: single nucleotide variant.
Coding change: c.8884T>C on transcript NM_001378454.1 (MANE Select); coding-DNA position 8884, T replaced by C.
Protein change: p.Ser2962Pro; replaces serine 2962 with proline.
Molecular consequence: missense variant.
Genome position (GRCh38, 1-based): chr2:73,490,843, T>C. VCF-style: chr2-73490843-T-C. GRCh37 (hg19) VCF-style: chr2-73717970-T-C.
Other names: c.8887T>C, p.Ser2963Pro (NM_015120.4); short protein forms S2963P, S2962P.
Identifiers: ClinVar variation 2184256 (VCV002184256.3), dbSNP rs2466218236, ClinGen allele CA347271176.

ClinVar aggregate classification (germline): Uncertain significance (1 of 4 stars; one submission).

Conditions:
Alstrom syndrome (ALMS). Identifiers: Orphanet 64, MedGen C0268425, MONDO:0008763, OMIM 203800.

Submission:

Labcorp Genetics (formerly Invitae), Labcorp
Classification: Uncertain significance for Alstrom syndrome. Last evaluated: 2022-06-13. Review status: criteria provided, single submitter. Criteria: Invitae Variant Classification Sherloc (09022015). Collection method: clinical testing. Allele origin: germline.
Comment: This variant has not been reported in the literature in individuals affected with ALMS1-related conditions. In summary, the available evidence is currently insufficient to determine the role of this variant in disease. Therefore, it has been classified as a Variant of Uncertain Significance. Experimental studies and prediction algorithms are not available or were not evaluated, and the functional significance of this variant is currently unknown. This variant is not present in population databases (gnomAD no frequency). This sequence change replaces serine, which is neutral and polar, with proline, which is neutral and non-polar, at codon 2963 of the ALMS1 protein (p.Ser2963Pro).